The following is an entry in ClinVar:

NM_016356.5(DCDC2):c.289_292del (p.Leu97fs)

Genes: DCDC2 (doublecortin domain containing 2; minus strand), KAAG1 (kidney associated DCDC2 antisense RNA 1; plus strand). Cytogenetic location: 6p22.3.
Variant type: Deletion.
Coding change: c.289_292del on transcript NM_016356.5 (MANE Select); coding-DNA positions 289 to 292, 4 bases deleted (CTCA; older notation c.289_292delCTCA).
Protein change: p.Leu97fs; shifts the reading frame from leucine 97.
Molecular consequence: frameshift variant. On other transcripts: non-coding transcript variant (1).
Genome position (GRCh38, 1-based): chr6:24,357,459-24,357,462, TGAG deleted on the plus strand (CTCA on the coding strand, the reverse complement: DCDC2 is on the minus strand); deleting any 4 consecutive bases within chr6:24,357,459-24,357,463 gives the same sequence; the c. name uses the placement nearest the transcript's 3' end. VCF-style (leftmost placement, unchanged base first): chr6-24357458-TTGAG-T. GRCh37 (hg19) VCF-style: chr6-24357686-TTGAG-T.
Other names: c.289_292delCTCA (NM_016356.4); c.289_292del, p.Leu97fs (NM_001195610.2); short protein forms L97fs.
Identifiers: ClinVar variation 3593429 (VCV003593429.2).

ClinVar aggregate classification (germline): Likely pathogenic. Review status: criteria provided, multiple submitters, no conflicts (2 of 4 stars). 2 submissions from 2 submitters: Likely pathogenic (2). Last evaluated 2026-05-29.

Conditions:
DCDC2-related disorder. Also called: DCDC2-related condition.
Autosomal recessive nonsyndromic hearing loss 66 (DFNB66). Also called: Deafness, autosomal recessive 66. Identifiers: Orphanet 90636, MedGen C1857750, MONDO:0012442, OMIM 610212.
Isolated neonatal sclerosing cholangitis (NSC). Also called: Sclerosing cholangitis, neonatal. Identifiers: Orphanet 480556, MedGen C4479344, MONDO:0018816, OMIM 617394.
Nephronophthisis 19 (NPHP19). Identifiers: Orphanet 84081, MedGen C4015542, MONDO:0014537, OMIM 616217.

Submissions (2):

PreventionGenetics, part of Exact Sciences
Classification: Likely pathogenic for DCDC2-related condition. Last evaluated: 2026-05-29. Review status: criteria provided, single submitter. Criteria: ACMG Guidelines, 2015. Collection method: clinical testing. Allele origin: germline.
Comment: The DCDC2 c.289_292delCTCA variant is predicted to result in a frameshift and premature protein termination (p.Leu97Ilefs*5). To our knowledge, this variant has not been reported in the literature. This variant is reported in 0.00091% of alleles in individuals of European (Non-Finnish) descent in gnomAD. Frameshift variants in DCDC2 are expected to be pathogenic. This variant is interpreted as likely pathogenic.

Fulgent Genetics
Classification: Likely pathogenic for Autosomal recessive nonsyndromic hearing loss 66; Nephronophthisis 19; Isolated neonatal sclerosing cholangitis. Last evaluated: 2024-02-05. Review status: criteria provided, single submitter. Criteria: ACMG Guidelines, 2015. Collection method: clinical testing. Allele origin: germline.